The following is an entry in ClinVar:

NM_000043.6(FAS):c.259G>T (p.Glu87Ter)

Gene: FAS (Fas cell surface death receptor; plus strand). Cytogenetic location: 10q23.31.
Variant type: single nucleotide variant.
Coding change: c.259G>T on transcript NM_000043.6 (MANE Select); coding-DNA position 259, G replaced by T.
Protein change: p.Glu87Ter; replaces glutamic acid 87 with a stop codon.
Molecular consequence: nonsense. On other transcripts: non-coding transcript variant (4).
Genome position (GRCh38, 1-based): chr10:89,007,762, G>T. VCF-style: chr10-89007762-G-T. GRCh37 (hg19) VCF-style: chr10-90767519-G-T.
Other names: c.259G>T, p.Glu87Ter (NM_001320619.2, NM_152871.4, NM_152872.4); short protein forms E87*.
Identifiers: ClinVar variation 1451181 (VCV001451181.6), dbSNP rs2133503091, ClinGen allele CA377508209.

ClinVar aggregate classification (germline): Pathogenic (1 of 4 stars; one submission).

Conditions:
Autoimmune lymphoproliferative syndrome type 1. Also called: AUTOIMMUNE LYMPHOPROLIFERATIVE SYNDROME, TYPE I, AUTOSOMAL DOMINANT. Identifiers: Orphanet 3261, MedGen C2717884, MONDO:0011158, OMIM 601859.

Submission:

Labcorp Genetics (formerly Invitae), Labcorp
Classification: Pathogenic for Autoimmune lymphoproliferative syndrome. Last evaluated: 2022-11-16. Review status: criteria provided, single submitter. Criteria: Invitae Variant Classification Sherloc (09022015). Collection method: clinical testing. Allele origin: germline.
Comment: Algorithms developed to predict the effect of sequence changes on RNA splicing suggest that this variant may disrupt the consensus splice site. For these reasons, this variant has been classified as Pathogenic. ClinVar contains an entry for this variant (Variation ID: 1451181). This variant has not been reported in the literature in individuals affected with FAS-related conditions. This variant is not present in population databases (gnomAD no frequency). This sequence change creates a premature translational stop signal (p.Glu87*) in the FAS gene. It is expected to result in an absent or disrupted protein product. Loss-of-function variants in FAS are known to be pathogenic (PMID: 10875918, 22237435).

Literature cited by the submitters: PubMed 10875918; PubMed 22237435.